The following is an entry in ClinVar:

NM_002485.5(NBN):c.1250T>C (p.Val417Ala)

Gene: NBN (nibrin; minus strand). Cytogenetic location: 8q21.3.
Variant type: single nucleotide variant.
Coding change: c.1250T>C on transcript NM_002485.5 (MANE Select); coding-DNA position 1250, T replaced by C.
Protein change: p.Val417Ala; replaces valine 417 with alanine.
Molecular consequence: missense variant.
Genome position (GRCh38, 1-based): chr8:89,955,430, A>G on the plus strand (T>C on the coding strand, the complement: NBN is on the minus strand). VCF-style: chr8-89955430-A-G. GRCh37 (hg19) VCF-style: chr8-90967658-A-G.
Other names: c.1004T>C, p.Val335Ala (NM_001024688.3); short protein forms V417A, V335A.
Identifiers: ClinVar variation 852664 (VCV000852664.12), dbSNP rs1554559216, ClinGen allele CA371656267.
Genomic context (GRCh38, chr8:89,955,430, plus strand): 5'-GGCAATTTAGTTGGTGAAAGCTGATAGTTTGGGATTCTCATCTTAGCCAAAGTATTTGAT[A>G]CCATACTATTATTATTAGAGCTTGTTTTGCAGGACTCCTTTACAGTGGGTGCATCTTGTG-3'
Protein context (NP_002476.2, residues 407-427): CKTSSNNNSM[Val417Ala]SNTLAKMRIP

ClinVar aggregate classification (germline): Uncertain significance. Review status: criteria provided, multiple submitters, no conflicts (2 of 4 stars). 2 submissions from 2 submitters: Uncertain significance (2). Last evaluated 2020-10-03.

Conditions:
Hereditary cancer-predisposing syndrome. Also called: Neoplastic Syndromes, Hereditary; Hereditary Cancer Syndrome; Hereditary neoplastic syndrome; Tumor predisposition. Identifiers: Orphanet 140162, MedGen C0027672, MeSH D009386, MONDO:0015356.
Microcephaly, normal intelligence and immunodeficiency (NBS). Also called: Microcephaly with normal intelligence immunodeficiency and lymphoreticular malignancies; Nonsyndromal microcephaly autosomal recessive with normal intelligence; Seemanova syndrome 2; Immunodeficiency, microcephaly with normal intelligence; SEEMANOVA SYNDROME II; Ataxia telangiectasia variant V1. Identifiers: Orphanet 647, MedGen C0398791, MONDO:0009623, OMIM 251260.

Submissions (2):

Labcorp Genetics (formerly Invitae), Labcorp
Classification: Uncertain significance for Microcephaly, normal intelligence and immunodeficiency. Last evaluated: 2020-10-03. Review status: criteria provided, single submitter. Criteria: Invitae Variant Classification Sherloc (09022015). Collection method: clinical testing. Allele origin: germline.
Comment: This sequence change replaces valine with alanine at codon 417 of the NBN protein (p.Val417Ala). The valine residue is weakly conserved and there is a small physicochemical difference between valine and alanine. This variant is not present in population databases (ExAC no frequency). This variant has not been reported in the literature in individuals with NBN-related conditions. Algorithms developed to predict the effect of missense changes on protein structure and function output the following: SIFT: "Tolerated"; PolyPhen-2: "Benign"; Align-GVGD: "Class C0". The alanine amino acid residue is found in multiple mammalian species, suggesting that this missense change does not adversely affect protein function. These predictions have not been confirmed by published functional studies and their clinical significance is uncertain. In summary, the available evidence is currently insufficient to determine the role of this variant in disease. Therefore, it has been classified as a Variant of Uncertain Significance.

Ambry Genetics
Classification: Uncertain significance for Hereditary cancer-predisposing syndrome. Last evaluated: 2020-01-14. Review status: criteria provided, single submitter. Criteria: Ambry Variant Classification Scheme 2023. Collection method: clinical testing. Allele origin: germline.
Comment: The p.V417A variant (also known as c.1250T>C), located in coding exon 10 of the NBN gene, results from a T to C substitution at nucleotide position 1250. The valine at codon 417 is replaced by alanine, an amino acid with similar properties. This amino acid position is poorly conserved in available vertebrate species. In addition, this alteration is predicted to be tolerated by in silico analysis. Since supporting evidence is limited at this time, the clinical significance of this alteration remains unclear.